The following is an entry in ClinVar:

ClinVar aggregate classification (germline): Conflicting classifications of pathogenicity. Review status: criteria provided, conflicting classifications (1 of 4 stars). 3 submissions from 3 submitters: Likely pathogenic (1); Uncertain significance (2). Last evaluated 2026-09-03.

Conditions:
Early-infantile DEE. Also called: Early infantile epileptic encephalopathy; Early infantile epileptic encephalopathy with suppression bursts; Ohtahara syndrome. Identifiers: Orphanet 1934, MedGen C0393706, MONDO:0800491.
Epilepsy. Also called: Seizure disorder. Identifiers: MedGen C0014544, MeSH D004827, MONDO:0005027.

Submissions (3):

Cytogénomique, Hospices Civils de Lyon
Classification: Likely pathogenic for Epilepsy. Last evaluated: 2026-09-03. Review status: criteria provided, single submitter. Criteria: ACMG Guidelines, 2015. Collection method: clinical testing. Allele origin: germline. Affected: yes.

Labcorp Genetics (formerly Invitae), Labcorp
Classification: Uncertain significance for Early-infantile DEE. Last evaluated: 2022-03-13. Review status: criteria provided, single submitter. Criteria: Invitae Variant Classification Sherloc (09022015). Collection method: clinical testing. Allele origin: germline.
Comment: This sequence change replaces asparagine, which is neutral and polar, with threonine, which is neutral and polar, at codon 1706 of the SCN1A protein (p.Asn1706Thr). This variant is not present in population databases (gnomAD no frequency). This variant has not been reported in the literature in individuals affected with SCN1A-related conditions. ClinVar contains an entry for this variant (Variation ID: 496122). Advanced modeling of protein sequence and biophysical properties (such as structural, functional, and spatial information, amino acid conservation, physicochemical variation, residue mobility, and thermodynamic stability) performed at Invitae indicates that this missense variant is expected to disrupt SCN1A protein function. In summary, the available evidence is currently insufficient to determine the role of this variant in disease. Therefore, it has been classified as a Variant of Uncertain Significance.

Women's Health and Genetics/Laboratory Corporation of America, LabCorp
Classification: Uncertain significance. Last evaluated: 2017-01-23. Review status: criteria provided, single submitter. Criteria: LabCorp Variant Classification Summary - May 2015. Collection method: clinical testing. Allele origin: germline.
Comment: Variant summary: The SCN1A c.5117A>C (p.Asn1706Thr) variant involves the alteration of a conserved nucleotide. 4/4 in silico tools predict a damaging outcome for this variant (SNPs&GO not captured due to low reliability index). This variant was not found in 121386 control chromosomes. The variant of interest has not, to our knowledge, been reported in affected individuals via publications and/or reputable databases/clinical diagnostic laboratories; nor evaluated for functional impact by in vivo/vitro studies. Because of the absence of clinical information and the lack of functional studies, the variant is classified as a variant of uncertain significance (VUS) until additional information becomes available.

NM_001165963.4(SCN1A):c.5117A>C (p.Asn1706Thr)

Genes: SCN1A (sodium voltage-gated channel alpha subunit 1; minus strand), LOC102724058 (uncharacterized LOC102724058; plus strand). Cytogenetic location: 2q24.3.
Variant type: single nucleotide variant.
Coding change: c.5117A>C on transcript NM_001165963.4 (MANE Select); coding-DNA position 5117, A replaced by C.
Protein change: p.Asn1706Thr; replaces asparagine 1706 with threonine.
Molecular consequence: missense variant. On other transcripts: non-coding transcript variant (1).
Genome position (GRCh38, 1-based): chr2:165,992,158, T>G on the plus strand (A>C on the coding strand, the complement: SCN1A is on the minus strand). VCF-style: chr2-165992158-T-G. GRCh37 (hg19) VCF-style: chr2-166848668-T-G.
Other names: c.5033A>C, p.Asn1678Thr (NM_001165964.3, NM_001353957.2, NM_001353958.2); c.5117A>C, p.Asn1706Thr (NM_001202435.3, NM_001353948.2); c.5084A>C, p.Asn1695Thr (NM_001353949.2, NM_001353950.2, NM_001353951.2 and 2 more transcripts); c.5081A>C, p.Asn1694Thr (NM_001353954.2, NM_001353955.2); c.5030A>C, p.Asn1677Thr (NM_001353960.2); c.2675A>C, p.Asn892Thr (NM_001353961.2); short protein forms N1695T, N1706T, N1678T, N1694T, N1677T, N892T.
Identifiers: ClinVar variation 496122 (VCV000496122.6), dbSNP rs1553520340, ClinGen allele CA349069117.